The following is an entry in ClinVar:

NM_000532.5(PCCB):c.392G>A (p.Gly131Asp)

Gene: PCCB (propionyl-CoA carboxylase subunit beta; plus strand). Cytogenetic location: 3q22.3.
Variant type: single nucleotide variant.
Coding change: c.392G>A on transcript NM_000532.5 (MANE Select); coding-DNA position 392, G replaced by A.
Protein change: p.Gly131Asp; replaces glycine 131 with aspartic acid.
Molecular consequence: missense variant.
Genome position (GRCh38, 1-based): chr3:136,260,498, G>A. VCF-style: chr3-136260498-G-A. GRCh37 (hg19) VCF-style: chr3-135979340-G-A.
Other names: c.452G>A, p.Gly151Asp (NM_001178014.2); short protein forms G131D, G151D.
Identifiers: ClinVar variation 2108841 (VCV002108841.2), dbSNP rs2529760207, ClinGen allele CA354739304.
Genomic context (GRCh38, chr3:136,260,498, plus strand): 5'-AGTCACTATATTTGACTTGCTGATTTGTATTTTCTTTTTAGGATTTTACAGTTTTTGGAG[G>A]CAGTCTGTCAGGAGCACATGCCCAAAAGATCTGCAAAGTAAGTGTTTAATACTCAAATTC-3'
Protein context (NP_000523.2, residues 121-141): VFSQDFTVFG[Gly131Asp]SLSGAHAQKI

ClinVar aggregate classification (germline): Uncertain significance (1 of 4 stars; one submission).

Conditions:
Propionic acidemia (PROP). Also called: GLYCINEMIA, KETOTIC; HYPERGLYCINEMIA WITH KETOACIDOSIS AND LEUKOPENIA; KETOTIC HYPERGLYCINEMIA. Identifiers: Orphanet 35, MedGen C0268579, MONDO:0011628, OMIM 606054, HP:0003571.

Allele frequency attached by ClinVar (database versions not stated): gnomAD exomes below 0.00001.
gnomAD v4.1: 1 of 1,613,570 alleles (0.000062%); highest among the groups gnomAD compares: Non-Finnish European, 0.000085%; no homozygotes.

Submission:

Labcorp Genetics (formerly Invitae), Labcorp
Classification: Uncertain significance for Propionic acidemia. Last evaluated: 2022-09-03. Review status: criteria provided, single submitter. Criteria: Invitae Variant Classification Sherloc (09022015). Collection method: clinical testing. Allele origin: germline.
Comment: This variant is not present in population databases (gnomAD no frequency). In summary, the available evidence is currently insufficient to determine the role of this variant in disease. Therefore, it has been classified as a Variant of Uncertain Significance. Advanced modeling of protein sequence and biophysical properties (such as structural, functional, and spatial information, amino acid conservation, physicochemical variation, residue mobility, and thermodynamic stability) performed at Invitae indicates that this missense variant is expected to disrupt PCCB protein function. This missense change has been observed in individual(s) with clinical features of PCCB-related conditions (PMID: 11749052). This sequence change replaces glycine, which is neutral and non-polar, with aspartic acid, which is acidic and polar, at codon 131 of the PCCB protein (p.Gly131Asp).

Literature cited by the submitters: PubMed 11749052.